The following is an entry in ClinVar:

NM_021098.3(CACNA1H):c.1610G>A (p.Arg537His)

Gene: CACNA1H (calcium voltage-gated channel subunit alpha1 H; plus strand). Cytogenetic location: 16p13.3.
Variant type: single nucleotide variant.
Coding change: c.1610G>A on transcript NM_021098.3 (MANE Select); coding-DNA position 1610, G replaced by A.
Protein change: p.Arg537His; replaces arginine 537 with histidine.
Molecular consequence: missense variant.
Genome position (GRCh38, 1-based): chr16:1,202,060, G>A. VCF-style: chr16-1202060-G-A. GRCh37 (hg19) VCF-style: chr16-1252060-G-A.
Other names: c.1610G>A, p.Arg537His (NM_001005407.2); short protein forms R537H.
Identifiers: ClinVar variation 585629 (VCV000585629.15), dbSNP rs548407874, ClinGen allele CA7799969.
Genomic context (GRCh38, chr16:1,202,060, plus strand): 5'-TGGTCTACCACCACCATCACCACCACCACCACCACTACCATTTCAGCCATGGCAGCCCCC[G>A]CAGGCCCGGCCCCGAGCCAGGCGCCTGCGACACCAGGCTGGTCCGAGCTGGCGCGCCCCC-3'
Protein context (NP_066921.2, residues 527-547): HHYHFSHGSP[Arg537His]RPGPEPGACD

ClinVar aggregate classification (germline): Conflicting classifications of pathogenicity. Review status: criteria provided, conflicting classifications (1 of 4 stars). 5 submissions from 5 submitters: Uncertain significance (4); Benign (1). Last evaluated 2026-03-06.

Conditions:
Idiopathic generalized epilepsy. Also called: Generalised epilepsy; EIG. Identifiers: MedGen C0270850, MONDO:0005579, OMIM 600669.
Hyperaldosteronism, familial, type IV (HALD4). Also called: FH IV; ALDOSTERONISM, PRIMARY, AND HYPERTENSION. Identifiers: Orphanet 642671, MedGen C4310756, MONDO:0014875, OMIM 617027.
Epilepsy, childhood absence, susceptibility to, 6. Identifiers: Orphanet 64280, MedGen C2749872, MONDO:0012763, OMIM 611942.
Inborn genetic diseases. Identifiers: MedGen C0950123, MeSH D030342.

Allele frequency attached by ClinVar (database versions not stated): ExAC below 0.00001; TOPMed 0.00001; gnomAD exomes 0.00003 and 0.00006; gnomAD 0.00010; 1000 Genomes Project 0.00020; 1000 Genomes Project 30x 0.00047.
gnomAD v4.1: 48 of 1,538,952 alleles (0.0031%); highest among the groups gnomAD compares: Admixed American, 0.0079%; no homozygotes.

Submissions (5):

Women's Health and Genetics/Laboratory Corporation of America, LabCorp
Classification: Uncertain significance. Last evaluated: 2026-03-06. Review status: criteria provided, single submitter. Criteria: LabCorp Variant Classification Summary - May 2015. Collection method: clinical testing. Allele origin: germline.
Comment: Variant summary: CACNA1H c.1610G>A (p.Arg537His) results in a non-conservative amino acid change in the encoded protein sequence. Algorithms developed to predict the effect of missense changes on protein structure and function are either unavailable or do not agree on the potential impact of this missense change. The variant allele was found at a frequency of 6e-05 in 133054 control chromosomes. The available data on variant occurrences in the general population are insufficient to allow any conclusion about variant significance. To our knowledge, no occurrence of c.1610G>A in individuals affected with CACNA1H-related conditions and no experimental evidence demonstrating its impact on protein function have been reported. ClinVar contains an entry for this variant (Variation ID: 585629). Based on the evidence outlined above, the variant was classified as uncertain significance.

Labcorp Genetics (formerly Invitae), Labcorp
Classification: Benign for Idiopathic generalized epilepsy; Hyperaldosteronism, familial, type IV. Last evaluated: 2026-02-02. Review status: criteria provided, single submitter. Criteria: Invitae Variant Classification Sherloc (09022015). Collection method: clinical testing. Allele origin: germline.

Fulgent Genetics
Classification: Uncertain significance for Epilepsy, childhood absence, susceptibility to, 6; Hyperaldosteronism, familial, type IV. Last evaluated: 2024-04-04. Review status: criteria provided, single submitter. Criteria: ACMG Guidelines, 2015. Collection method: clinical testing. Allele origin: germline.

Ambry Genetics
Classification: Uncertain significance for Inborn genetic diseases. Last evaluated: 2023-11-03. Review status: criteria provided, single submitter. Criteria: Ambry Variant Classification Scheme 2023. Collection method: clinical testing. Allele origin: germline.

Athena Diagnostics
Classification: Uncertain significance. Last evaluated: 2017-12-28. Review status: criteria provided, single submitter. Criteria: Athena Diagnostics Criteria. Collection method: clinical testing. Allele origin: germline.